The following is an entry in ClinVar:

NM_017934.7(PHIP):c.2786A>T (p.Glu929Val)

Genes: IRAK1BP1 (interleukin 1 receptor associated kinase 1 binding protein 1; plus strand), PHIP (PHIP subunit of CUL4-Ring ligase complex; minus strand). Cytogenetic location: 6q14.1.
Variant type: single nucleotide variant.
Coding change: c.2786A>T on transcript NM_017934.7 (MANE Select); coding-DNA position 2786, A replaced by T.
Protein change: p.Glu929Val; replaces glutamic acid 929 with valine.
Molecular consequence: missense variant.
Genome position (GRCh38, 1-based): chr6:78,978,695, T>A on the plus strand (A>T on the coding strand, the complement: PHIP is on the minus strand). VCF-style: chr6-78978695-T-A. GRCh37 (hg19) VCF-style: chr6-79688412-T-A.
Other names: c.2786A>T (NM_017934.6, NM_017934.5); short protein forms E929V.
Identifiers: ClinVar variation 1975813 (VCV001975813.35), dbSNP rs78774794, ClinGen allele CA3899850.

ClinVar aggregate classification (germline): Benign/Likely benign. Review status: criteria provided, multiple submitters, no conflicts (2 of 4 stars). 4 submissions from 4 submitters: Benign (1); Likely benign (3). Last evaluated 2026-01-20.

Conditions:
PHIP-related disorder. Also called: PHIP-related condition; PHIP-related disorders.
Inborn genetic diseases. Identifiers: MedGen C0950123, MeSH D030342.

Allele frequency attached by ClinVar (database versions not stated): ExAC 0.00007; TOPMed 0.00011; gnomAD 0.00013; gnomAD exomes 0.00019.
gnomAD v4.1: 306 of 1,597,332 alleles (0.019%); highest among the groups gnomAD compares: Non-Finnish European, 0.024%; no homozygotes.

Submissions (4):

PreventionGenetics, part of Exact Sciences
Classification: Likely benign for PHIP-related condition. Last evaluated: 2026-01-20. Review status: criteria provided, single submitter. Criteria: ACMG Guidelines, 2015. Collection method: clinical testing. Allele origin: germline.
Comment: This variant is classified as likely benign based on ACMG/AMP sequence variant interpretation guidelines (Richards et al. 2015 PMID: 25741868, with internal and published modifications).

Labcorp Genetics (formerly Invitae), Labcorp
Classification: Benign. Last evaluated: 2024-11-26. Review status: criteria provided, single submitter. Criteria: Invitae Variant Classification Sherloc (09022015). Collection method: clinical testing. Allele origin: germline.

Ambry Genetics
Classification: Likely benign for Inborn genetic diseases. Last evaluated: 2023-06-26. Review status: criteria provided, single submitter. Criteria: Ambry Variant Classification Scheme 2023. Collection method: clinical testing. Allele origin: germline.

CeGaT Center for Human Genetics Tuebingen
Classification: Likely benign. Last evaluated: 2023-06-01. Review status: criteria provided, single submitter. Criteria: CeGaT Center For Human Genetics Tuebingen Variant Classification Criteria Version 2. Collection method: clinical testing. Allele origin: germline. Affected: yes. Observed: 1 variant allele.
Comment: PHIP: BP4